The following is an entry in ClinVar:

ClinVar aggregate classification (germline): Pathogenic/Likely pathogenic. Review status: criteria provided, multiple submitters, no conflicts (2 of 4 stars). 5 submissions from 5 submitters: Pathogenic (2); Likely pathogenic (2). 1 of the submissions does not count toward it. Last evaluated 2025-02-05.

Conditions:
Autism, severe. Identifiers: MedGen C1839707.
intellectual deficiency. Identifiers: MedGen CN228659.
ADNP-related multiple congenital anomalies - intellectual disability - autism spectrum disorder. Also called: Helsmoortel-Van der Aa Syndrome; ADNP-Related Helsmoortel-Van der Aa Syndrome. Identifiers: Orphanet 404448, MedGen C4014538, MONDO:0014379, OMIM 615873. Disease mechanism: loss of function.
Global developmental delay (DD). Also called: Cognitive delay. Identifiers: MedGen C0557874, HP:0001263. Disease mechanism: loss of function.

Submissions (5):

GeneDx
Classification: Pathogenic. Last evaluated: 2025-02-05. Review status: criteria provided, single submitter. Criteria: GeneDx Variant Classification Process June 2021. Collection method: clinical testing. Allele origin: germline.
Comment: Observed individuals with autism and intellectual disability in published literature; however detailed clinical and segregation data were not provided (PMID: 29724491, 33004838); Not observed at significant frequency in large population cohorts (gnomAD); Nonsense variant predicted to result in protein truncation, as the last 878 amino acids are lost, and other loss-of-function variants have been reported downstream in HGMD; This variant is associated with the following publications: (PMID: 33004838, 29724491, 38204290, 38254177)

CeGaT Center for Human Genetics Tuebingen
Classification: Pathogenic. Last evaluated: 2023-10-01. Review status: criteria provided, single submitter. Criteria: CeGaT Center For Human Genetics Tuebingen Variant Classification Criteria Version 2. Collection method: clinical testing. Allele origin: germline. Affected: yes. Observed: 1 variant allele.
Comment: ADNP: PVS1:Strong, PM2, PM6, PS4:Moderate

3billion
Classification: Likely pathogenic for ADNP-related multiple congenital anomalies - intellectual disability - autism spectrum disorder. Last evaluated: 2023-07-26. Review status: criteria provided, single submitter. Criteria: ACMG Guidelines, 2015. Collection method: clinical testing. Allele origin: germline. Affected: yes.
Comment: The variant is not observed in the gnomAD v2.1.1 dataset. Predicted Consequence/Location: Stop-gained (nonsense): predicted to result in a loss or disruption of normal protein function through protein truncation. The predicted truncated protein may be shortened by more than 10%. The variant has been reported to be associated with ADNP-related disorder (ClinVar ID: VCV000374229 /PMID: 29724491). Therefore, this variant is classified as Likely pathogenic according to the recommendation of ACMG/AMP guideline.

Equipe Genetique des Anomalies du Developpement, Université de Bourgogne
Classification: Likely pathogenic for Global developmental delay. Review status: criteria provided, single submitter. Criteria: ACMG Guidelines, 2015. Collection method: clinical testing. Allele origin: unknown. Affected: yes.

Laboratory of Molecular Genetics, CHU Rennes
Classification: Likely pathogenic for Severe autism; intellectual deficiency. Review status: no assertion criteria provided. Collection method: clinical testing. Allele origin: de novo. Affected: yes. Not counted in ClinVar's aggregate classification.

Literature cited by the submitters: PubMed 29724491 (cited by 3billion).

NM_001282531.3(ADNP):c.673C>T (p.Arg225Ter)

Gene: ADNP (activity dependent neuroprotector homeobox; minus strand). Cytogenetic location: 20q13.13.
Variant type: single nucleotide variant.
Coding change: c.673C>T on transcript NM_001282531.3 (MANE Select); coding-DNA position 673, C replaced by T.
Protein change: p.Arg225Ter; replaces arginine 225 with a stop codon.
Molecular consequence: nonsense.
Genome position (GRCh38, 1-based): chr20:50,894,041, G>A on the plus strand (C>T on the coding strand, the complement: ADNP is on the minus strand). VCF-style: chr20-50894041-G-A. GRCh37 (hg19) VCF-style: chr20-49510578-G-A.
Other names: c.673C>T, p.Arg225Ter (NM_001282532.2, NM_001347511.2, NM_015339.5 and 1 more transcripts); short protein forms R225*.
Identifiers: ClinVar variation 374229 (VCV000374229.28), dbSNP rs1057518991, ClinGen allele CA16043635.